The following is an entry in ClinVar:

NM_020922.5(WNK3):c.3829G>C (p.Ala1277Pro)

Gene: WNK3 (WNK lysine deficient protein kinase 3; minus strand). Cytogenetic location: Xp11.22.
Variant type: single nucleotide variant.
Coding change: c.3829G>C on transcript NM_020922.5 (MANE Select); coding-DNA position 3829, G replaced by C.
Protein change: p.Ala1277Pro; replaces alanine 1277 with proline.
Molecular consequence: missense variant. On other transcripts: intron variant (2).
Genome position (GRCh38, 1-based): chrX:54,238,922, C>G on the plus strand (G>C on the coding strand, the complement: WNK3 is on the minus strand). VCF-style: chrX-54238922-C-G. GRCh37 (hg19) VCF-style: chrX-54265355-C-G.
Other names: c.3742+87G>C (NM_001395166.1, NM_001002838.4); short protein forms A1277P.
Identifiers: ClinVar variation 3348004 (VCV003348004.1).

ClinVar aggregate classification (germline): Uncertain significance (0 of 4 stars; one submission).

Conditions:
WNK3-related condition.

gnomAD v4.1: 4 of 1,204,287 alleles (0.00033%); highest among the groups gnomAD compares: Non-Finnish European, 0.00034%; no homozygotes.

Submission:

PreventionGenetics, part of Exact Sciences
Classification: Uncertain significance for WNK3-related condition. Last evaluated: 2024-06-04. Review status: no assertion criteria provided. Collection method: clinical testing. Allele origin: germline.
Comment: The WNK3 c.3829G>C variant is predicted to result in the amino acid substitution p.Ala1277Pro. To our knowledge, this variant has not been reported in the literature. This variant is reported in 0.0013% of alleles in individuals of European (Non-Finnish) descent in gnomAD. At this time, the clinical significance of this variant is uncertain due to the absence of conclusive functional and genetic evidence.